The following is an entry in ClinVar:

ClinVar aggregate classification (germline): Uncertain significance (1 of 4 stars; one submission).

Conditions:
TTC21B-related disorder. Also called: TTC21B-related disorders; TTC21B-related condition.

Submission:

PreventionGenetics, part of Exact Sciences
Classification: Uncertain significance for TTC21B-related condition. Last evaluated: 2025-10-09. Review status: criteria provided, single submitter. Criteria: ACMG Guidelines, 2015. Collection method: clinical testing. Allele origin: germline.
Comment: The TTC21B c.895-13_895-9del5 variant is predicted to result in an intronic deletion. To our knowledge, this variant has not been reported in the literature or in a large population database (gnomAD), indicating this variant is rare. At this time, the clinical significance of this variant is uncertain due to the absence of conclusive functional and genetic evidence.

NM_024753.5(TTC21B):c.895-13_895-9del

Gene: TTC21B (tetratricopeptide repeat domain 21B; minus strand). Cytogenetic location: 2q24.3.
Variant type: Deletion.
Coding change: c.895-13_895-9del on transcript NM_024753.5 (MANE Select); 13 bases into the intron before coding-DNA position 895 through 9 bases into the intron before coding-DNA position 895, 5 bases deleted (TTTTT; older notation c.895-13_895-9delTTTTT).
Molecular consequence: intron variant.
Genome position (GRCh38, 1-based): chr2:165,930,373-165,930,377, AAAAA deleted on the plus strand (TTTTT on the coding strand, the reverse complement: TTC21B is on the minus strand); deleting any 5 consecutive bases within chr2:165,930,373-165,930,381 gives the same sequence; the c. name uses the placement nearest the transcript's 3' end. VCF-style (leftmost placement, unchanged base first): chr2-165930372-GAAAAA-G. GRCh37 (hg19) VCF-style: chr2-166786882-GAAAAA-G.
Identifiers: ClinVar variation 5001228 (VCV005001228.1).